The following is an entry in ClinVar:

NM_201525.4(ADGRG1):c.2056C>T (p.Arg686Cys)

Gene: ADGRG1 (adhesion G protein-coupled receptor G1; plus strand). Cytogenetic location: 16q21.
Variant type: single nucleotide variant.
Coding change: c.2056C>T on transcript NM_201525.4 (MANE Select); coding-DNA position 2056, C replaced by T.
Protein change: p.Arg686Cys; replaces arginine 686 with cysteine.
Molecular consequence: missense variant.
Genome position (GRCh38, 1-based): chr16:57,663,574, C>T. VCF-style: chr16-57663574-C-T. GRCh37 (hg19) VCF-style: chr16-57697486-C-T.
Other names: p.Arg692Cys; c.2056C>T, p.Arg686Cys (NM_001145770.3, NM_001145772.3, NM_001145774.3 and 7 more transcripts); c.2074C>T, p.Arg692Cys (NM_001145771.3, NM_001370428.1, NM_001370429.1 and 4 more transcripts); c.2071C>T, p.Arg691Cys (NM_001145773.3, NM_001370433.1, NM_001370434.1); c.1564C>T, p.Arg522Cys (NM_001290142.2); c.1549C>T, p.Arg517Cys (NM_001290143.2); c.1531C>T, p.Arg511Cys (NM_001290144.2, NM_001370451.1, NM_001370453.1 and 1 more transcripts); c.2053C>T, p.Arg685Cys (NM_001370441.1); and 2 more; short protein forms R511C, R634C, R685C, R517C, R522C, R692C, R686C, R691C.
Identifiers: ClinVar variation 2598293 (VCV002598293.3), dbSNP rs757768074, ClinGen allele CA8078937.

ClinVar aggregate classification (germline): Uncertain significance. Review status: criteria provided, multiple submitters, no conflicts (2 of 4 stars). 2 submissions from 2 submitters: Uncertain significance (2). Last evaluated 2023-09-13.

Conditions:
Inborn genetic diseases. Identifiers: MedGen C0950123, MeSH D030342.

Allele frequency attached by ClinVar (database versions not stated): gnomAD 0.00001; gnomAD exomes 0.00002; ExAC 0.00003; TOPMed 0.00003.
gnomAD v4.1: 24 of 1,613,246 alleles (0.0015%); highest among the groups gnomAD compares: South Asian, 0.0088%; no homozygotes.

Submissions (2):

Ambry Genetics
Classification: Uncertain significance for Inborn genetic diseases. Last evaluated: 2023-09-13. Review status: criteria provided, single submitter. Criteria: Ambry Variant Classification Scheme 2023. Collection method: clinical testing. Allele origin: germline.

Mayo Clinic Laboratories, Mayo Clinic
Classification: Uncertain significance. Last evaluated: 2021-12-28. Review status: criteria provided, single submitter. Criteria: ACMG Guidelines, 2015. Collection method: clinical testing. Allele origin: germline. Observed: 1 variant allele.
Comment: BP4, PM2